The following is an entry in ClinVar:

ClinVar aggregate classification (germline): Likely benign (1 of 4 stars; one submission).

gnomAD v4.1: 4 of 1,614,130 alleles (0.00025%); highest among the groups gnomAD compares: Admixed American, 0.0067%; no homozygotes.

Submission:

CeGaT Center for Human Genetics Tuebingen
Classification: Likely benign. Last evaluated: 2026-09-01. Review status: criteria provided, single submitter. Criteria: CeGaT Center For Human Genetics Tuebingen Variant Classification Criteria Version 2. Collection method: clinical testing. Allele origin: germline. Affected: yes. Observed: 1 variant allele.
Comment: SMG8: BP4, BP7

NM_018149.7(SMG8):c.720C>T (p.Leu240=)

Gene: SMG8 (SMG8 nonsense mediated mRNA decay factor; plus strand). Cytogenetic location: 17q22.
Variant type: single nucleotide variant.
Coding change: c.720C>T on transcript NM_018149.7 (MANE Select); coding-DNA position 720, C replaced by T.
Protein change: p.Leu240=; no amino-acid change (leucine 240 retained).
Molecular consequence: synonymous variant.
Genome position (GRCh38, 1-based): chr17:59,210,771, C>T. VCF-style: chr17-59210771-C-T. GRCh37 (hg19) VCF-style: chr17-57288132-C-T.
Identifiers: ClinVar variation 5041763 (VCV005041763.1).